The following is an entry in ClinVar:

NM_000051.4(ATM):c.2454T>A (p.Ile818=)

Gene: ATM (ATM serine/threonine kinase; plus strand). Cytogenetic location: 11q22.3.
Variant type: single nucleotide variant.
Coding change: c.2454T>A on transcript NM_000051.4 (MANE Select); coding-DNA position 2454, T replaced by A.
Protein change: p.Ile818=; no amino-acid change (isoleucine 818 retained).
Molecular consequence: synonymous variant.
Genome position (GRCh38, 1-based): chr11:108,259,063, T>A. VCF-style: chr11-108259063-T-A. GRCh37 (hg19) VCF-style: chr11-108129790-T-A.
Other names: c.2454T>A, p.Ile818= (NM_001351834.2).
Identifiers: ClinVar variation 3254482 (VCV003254482.1), dbSNP rs2135422219.

ClinVar aggregate classification (germline): Benign (1 of 4 stars; one submission).

Conditions:
Familial cancer of breast. Also called: BREAST CANCER, FAMILIAL; Hereditary breast cancer; hereditary breast carcinoma. Identifiers: Orphanet 227535, MedGen C0346153, MONDO:0016419, OMIM 114480. Disease mechanism: loss of function.

Submission:

Myriad Genetics, Inc.
Classification: Benign for Familial cancer of breast. Last evaluated: 2024-05-08. Review status: criteria provided, single submitter. Criteria: Myriad Autosomal Dominant, Autosomal Recessive and X-Linked Classification Criteria (2023). Collection method: clinical testing. Allele origin: unknown.
Comment: This variant is considered benign. This variant is a silent/synonymous amino acid change and it is not expected to impact splicing.